The following is an entry in ClinVar:

ClinVar aggregate classification (germline): Uncertain significance. Review status: criteria provided, multiple submitters, no conflicts (2 of 4 stars). 2 submissions from 2 submitters: Uncertain significance (2). Last evaluated 2024-03-18.

Allele frequency attached by ClinVar (database versions not stated): gnomAD exomes below 0.00001; TOPMed 0.00003.
gnomAD v4.1: 6 of 1,529,124 alleles (0.00039%); highest among the groups gnomAD compares: African/African-American, 0.0083%; no homozygotes.

Submissions (2):

Labcorp Genetics (formerly Invitae), Labcorp
Classification: Uncertain significance. Last evaluated: 2024-03-18. Review status: criteria provided, single submitter. Criteria: Invitae Variant Classification Sherloc (09022015). Collection method: clinical testing. Allele origin: germline.
Comment: This sequence change falls in intron 3 of the LRIT3 gene. It does not directly change the encoded amino acid sequence of the LRIT3 protein. The frequency data for this variant in the population databases is considered unreliable, as metrics indicate poor data quality at this position in the gnomAD database. This variant has not been reported in the literature in individuals affected with LRIT3-related conditions. Algorithms developed to predict the effect of sequence changes on RNA splicing suggest that this variant may disrupt the consensus splice site. In summary, the available evidence is currently insufficient to determine the role of this variant in disease. Therefore, it has been classified as a Variant of Uncertain Significance.

Blueprint Genetics
Classification: Uncertain significance. Last evaluated: 2019-08-06. Review status: criteria provided, single submitter. Criteria: ACMG Guidelines, 2015. Collection method: clinical testing. Allele origin: germline.

NM_198506.5(LRIT3):c.896-13T>A

Gene: LRIT3 (leucine rich repeat, Ig-like and transmembrane domains 3; plus strand). Cytogenetic location: 4q25.
Variant type: single nucleotide variant.
Coding change: c.896-13T>A on transcript NM_198506.5 (MANE Select); 13 bases into the intron before coding-DNA position 896, T replaced by A.
Molecular consequence: intron variant.
Genome position (GRCh38, 1-based): chr4:109,869,632, T>A. VCF-style: chr4-109869632-T-A. GRCh37 (hg19) VCF-style: chr4-110790788-T-A.
Identifiers: ClinVar variation 2793532 (VCV002793532.4), dbSNP rs139536875, ClinGen allele CA553663175.